The following is an entry in ClinVar:

ClinVar aggregate classification (germline): Likely benign. Review status: criteria provided, multiple submitters, no conflicts (2 of 4 stars). 2 submissions from 2 submitters: Likely benign (2). Last evaluated 2026-01-09.

Conditions:
Hereditary cancer-predisposing syndrome. Also called: Hereditary Cancer Syndrome; Neoplastic Syndromes, Hereditary; Hereditary neoplastic syndrome; Tumor predisposition. Identifiers: Orphanet 140162, MedGen C0027672, MeSH D009386, MONDO:0015356.
Familial thoracic aortic aneurysm and aortic dissection (TAAD). Also called: Thoracic aortic aneurysms and dissections. Identifiers: Orphanet 91387, MedGen C4707243, MONDO:0019625.
SMAD4-related disorder. Also called: SMAD4-related condition; SMAD4-Related disorders.

Submissions (2):

PreventionGenetics, part of Exact Sciences
Classification: Likely benign for SMAD4-related condition. Last evaluated: 2026-01-09. Review status: criteria provided, single submitter. Criteria: ACMG Guidelines, 2015. Collection method: clinical testing. Allele origin: germline.
Comment: This variant is classified as likely benign based on ACMG/AMP sequence variant interpretation guidelines (Richards et al. 2015 PMID: 25741868, with internal and published modifications).

Ambry Genetics
Classification: Likely benign for Hereditary cancer-predisposing syndrome; Familial thoracic aortic aneurysm and aortic dissection. Last evaluated: 2024-10-22. Review status: criteria provided, single submitter. Criteria: Ambry Variant Classification Scheme 2023. Collection method: clinical testing. Allele origin: germline.

NM_005359.6(SMAD4):c.105T>C (p.Phe35=)

Gene: SMAD4 (SMAD family member 4; plus strand). Cytogenetic location: 18q21.2.
Variant type: single nucleotide variant.
Coding change: c.105T>C on transcript NM_005359.6 (MANE Select); coding-DNA position 105, T replaced by C.
Protein change: p.Phe35=; no amino-acid change (phenylalanine 35 retained).
Molecular consequence: synonymous variant. On other transcripts: non-coding transcript variant (2).
Genome position (GRCh38, 1-based): chr18:51,047,151, T>C. VCF-style: chr18-51047151-T-C. GRCh37 (hg19) VCF-style: chr18-48573521-T-C.
Other names: c.105T>C, p.Phe35= (NM_001407041.1, NM_001407042.1, NM_001407043.1).
Identifiers: ClinVar variation 3445868 (VCV003445868.2).
Genomic context (GRCh38, chr18:51,047,151, plus strand): 5'-CTGTCTGAGCATTGTGCATAGTTTGATGTGCCATAGACAAGGTGGAGAGAGTGAAACATT[T>C]GCAAAAAGAGCAATTGAAAGTTTGGTAAAGAAGCTGAAGGAGAAAAAAGATGAATTGGAT-3'
Protein context (NP_005350.1, residues 25-45): CHRQGGESET[Phe35=]AKRAIESLVK